The following is an entry in ClinVar:

ClinVar aggregate classification (germline): Benign. Review status: criteria provided, multiple submitters, no conflicts (2 of 4 stars). 3 submissions from 3 submitters: Benign (2). 1 of the submissions does not count toward it. Last evaluated 2026-01-26.

Conditions:
NUP85-related disorder. Also called: NUP85-related condition.

Allele frequency attached by ClinVar (database versions not stated): gnomAD 0.00002 and 0.00071; ESP Exome Variant Server 0.00008; TOPMed 0.00014; gnomAD exomes 0.00120 and 0.00234; ExAC 0.00271; 1000 Genomes Project 30x 0.00453; 1000 Genomes Project 0.00459.
gnomAD v4.1: 1,829 of 1,588,086 alleles (0.12%); highest among the groups gnomAD compares: South Asian, 1.9%; 33 homozygotes.

Submissions (3):

Labcorp Genetics (formerly Invitae), Labcorp
Classification: Benign. Last evaluated: 2026-01-26. Review status: criteria provided, single submitter. Criteria: Invitae Variant Classification Sherloc (09022015). Collection method: clinical testing. Allele origin: germline.

Breakthrough Genomics
Classification: Benign. Review status: criteria provided, single submitter. Criteria: ACMG Guidelines, 2015. Collection method: not provided. Allele origin: germline. Inheritance: Autosomal recessive inheritance. Affected: yes.

PreventionGenetics, part of Exact Sciences
Classification: Benign for NUP85-related condition. Last evaluated: 2019-04-09. Review status: no assertion criteria provided. Collection method: clinical testing. Allele origin: germline. Not counted in ClinVar's aggregate classification.
Comment: This variant is classified as benign based on ACMG/AMP sequence variant interpretation guidelines (Richards et al. 2015 PMID: 25741868, with internal and published modifications).

NM_024844.5(NUP85):c.46G>A (p.Val16Met)

Gene: NUP85 (nucleoporin 85; plus strand). Cytogenetic location: 17q25.1.
Variant type: single nucleotide variant.
Coding change: c.46G>A on transcript NM_024844.5 (MANE Select); coding-DNA position 46, G replaced by A.
Protein change: p.Val16Met; replaces valine 16 with methionine.
Molecular consequence: missense variant. On other transcripts: intron variant (1).
Genome position (GRCh38, 1-based): chr17:75,208,539, G>A. VCF-style: chr17-75208539-G-A. GRCh37 (hg19) VCF-style: chr17-73204634-G-A.
Other names: c.46G>A, p.Val16Met (NM_001330472.2); c.-11-1284G>A (NM_001303276.2); c.46G>A (NM_024844.4); short protein forms V16M.
Identifiers: ClinVar variation 1600474 (VCV001600474.11), dbSNP rs199651391, ClinGen allele CA8758296.